The following is an entry in ClinVar:

ClinVar aggregate classification (germline): Conflicting classifications of pathogenicity. Review status: criteria provided, conflicting classifications (1 of 4 stars). 4 submissions from 4 submitters: Likely pathogenic (2); Uncertain significance (2). Last evaluated 2025-09-08.

Conditions:
Anemia, nonspherocytic hemolytic, due to G6PD deficiency (CNSHA1). Also called: ANEMIA, CONGENITAL, NONSPHEROCYTIC HEMOLYTIC, 1; Hemolytic anemia due to G6PD deficiency; Class I glucose-6-phosphate dehydrogenase deficiency; Favism, susceptibility to. Identifiers: Orphanet 466026, MedGen C2720289, MONDO:0010480, OMIM 300908.

Allele frequency attached by ClinVar (database versions not stated): gnomAD exomes 0.00001; ExAC 0.00002; gnomAD 0.00005.
gnomAD v4.1: 14 of 1,210,452 alleles (0.0012%); highest among the groups gnomAD compares: African/African-American, 0.0017%; no homozygotes.

Submissions (4):

Labcorp Genetics (formerly Invitae), Labcorp
Classification: Likely pathogenic for Anemia, nonspherocytic hemolytic, due to G6PD deficiency. Last evaluated: 2025-09-08. Review status: criteria provided, single submitter. Criteria: Invitae Variant Classification Sherloc (09022015). Collection method: clinical testing. Allele origin: germline.
Comment: This sequence change replaces valine, which is neutral and non-polar, with isoleucine, which is neutral and non-polar, at codon 444 of the G6PD protein (p.Val444Ile). This variant is present in population databases (rs782250606, gnomAD 0.004%). This missense change has been observed in individuals with glucose-6-phosphate dehydrogenase deficiency (PMID: 31294066, 35845714). ClinVar contains an entry for this variant (Variation ID: 1722624). Invitae Evidence Modeling of protein sequence and biophysical properties (such as structural, functional, and spatial information, amino acid conservation, physicochemical variation, residue mobility, and thermodynamic stability) indicates that this missense variant is expected to disrupt G6PD protein function with a positive predictive value of 95%. In summary, the currently available evidence indicates that the variant is pathogenic, but additional data are needed to prove that conclusively. Therefore, this variant has been classified as Likely Pathogenic.

Women's Health and Genetics/Laboratory Corporation of America, LabCorp
Classification: Uncertain significance. Last evaluated: 2024-11-13. Review status: criteria provided, single submitter. Criteria: LabCorp Variant Classification Summary - May 2015. Collection method: clinical testing. Allele origin: germline.
Comment: Variant summary: G6PD c.1420G>A (p.Val474Ile) results in a conservative amino acid change located in the Glucose-6-phosphate dehydrogenase, C-terminal domain (IPR022675) of the encoded protein sequence. Three of five in-silico tools predict a benign effect of the variant on protein function. The variant allele was found at a frequency of 5.5e-06 in 182321 control chromosomes. The available data on variant occurrences in the general population are insufficient to allow any conclusion about variant significance. c.1420G>A has been reported in the literature in individuals affected with Glucose 6 Phosphate Dehydrogenase Deficiency (Chiu_2019, Geck_2023). These reports do not provide unequivocal conclusions about association of the variant with Glucose 6 Phosphate Dehydrogenase Deficiency. To our knowledge, no experimental evidence demonstrating an impact on protein function has been reported. The following publications have been ascertained in the context of this evaluation (PMID: 31294066, 36681081, 32702756, 35845714). ClinVar contains an entry for this variant (Variation ID: 1722624). Based on the evidence outlined above, the variant was classified as uncertain significance.

Dunham Lab, University of Washington
Classification: Likely pathogenic for Anemia, nonspherocytic hemolytic, due to G6PD deficiency. Last evaluated: 2022-08-12. Review status: criteria provided, single submitter. Criteria: Bayesian ACMG Guidelines, 2018. Collection method: curation. Allele origin: unknown. Affected: yes.
Comment: Variant found in hemizygotes with G6PD deficiency (PP4). Decreased activity in red blood cells (PS3). Below expected carrier frequency in gnomAD (PM2). Predicted to be possibly damaging by PolyPhen and disease causing by Mutation Taster (PP3). Post_P 0.975 (odds of pathogenicity 350.3, Prior_P 0.1).

Revvity Omics, Revvity
Classification: Uncertain significance for Anemia, nonspherocytic hemolytic, due to G6PD deficiency. Last evaluated: 2020-03-15. Review status: criteria provided, single submitter. Criteria: ACMG Guidelines, 2015. Collection method: clinical testing. Allele origin: germline.

Literature cited by the submitters: PubMed 31294066 (cited by 3 submitters); PubMed 35845714 (cited by Labcorp Genetics (formerly Invitae), Labcorp and Women's Health and Genetics/Laboratory Corporation of America, LabCorp); PubMed 36681081 (cited by Women's Health and Genetics/Laboratory Corporation of America, LabCorp); PubMed 32702756 (cited by Women's Health and Genetics/Laboratory Corporation of America, LabCorp).

NM_001360016.2(G6PD):c.1330G>A (p.Val444Ile)

Gene: G6PD (glucose-6-phosphate dehydrogenase; minus strand). Cytogenetic location: Xq28.
Variant type: single nucleotide variant.
Coding change: c.1330G>A on transcript NM_001360016.2 (MANE Select); coding-DNA position 1330, G replaced by A.
Protein change: p.Val444Ile; replaces valine 444 with isoleucine.
Molecular consequence: missense variant.
Genome position (GRCh38, 1-based): chrX:154,532,420, C>T on the plus strand (G>A on the coding strand, the complement: G6PD is on the minus strand). VCF-style: chrX-154532420-C-T. GRCh37 (hg19) VCF-style: chrX-153760635-C-T.
Other names: G6PD Tainan-2; c.1420G>A, p.Val474Ile (NM_000402.4); c.1330G>A, p.Val444Ile (NM_001042351.3); short protein forms V444I, V474I.
Identifiers: ClinVar variation 1722624 (VCV001722624.7), dbSNP rs782250606, ClinGen allele CA10566037.